The following is an entry in ClinVar:

ClinVar aggregate classification (germline): Uncertain significance (1 of 4 stars; one submission).

Submission:

Labcorp Genetics (formerly Invitae), Labcorp
Classification: Uncertain significance. Last evaluated: 2022-06-18. Review status: criteria provided, single submitter. Criteria: Invitae Variant Classification Sherloc (09022015). Collection method: clinical testing. Allele origin: germline.
Comment: This sequence change replaces histidine, which is basic and polar, with arginine, which is basic and polar, at codon 376 of the ALPK1 protein (p.His376Arg). In summary, the available evidence is currently insufficient to determine the role of this variant in disease. Therefore, it has been classified as a Variant of Uncertain Significance. Algorithms developed to predict the effect of missense changes on protein structure and function output the following: SIFT: "Tolerated"; PolyPhen-2: "Benign"; Align-GVGD: "Class C0". The arginine amino acid residue is found in multiple mammalian species, which suggests that this missense change does not adversely affect protein function. This variant has not been reported in the literature in individuals affected with ALPK1-related conditions. This variant is not present in population databases (gnomAD no frequency).

NM_025144.4(ALPK1):c.1127A>G (p.His376Arg)

Gene: ALPK1 (alpha kinase 1; plus strand). Cytogenetic location: 4q25.
Variant type: single nucleotide variant.
Coding change: c.1127A>G on transcript NM_025144.4 (MANE Select); coding-DNA position 1127, A replaced by G.
Protein change: p.His376Arg; replaces histidine 376 with arginine.
Molecular consequence: missense variant.
Genome position (GRCh38, 1-based): chr4:112,430,674, A>G. VCF-style: chr4-112430674-A-G. GRCh37 (hg19) VCF-style: chr4-113351830-A-G.
Other names: c.1127A>G, p.His376Arg (NM_001102406.2); c.893A>G, p.His298Arg (NM_001253884.2); short protein forms H298R, H376R.
Identifiers: ClinVar variation 2007870 (VCV002007870.4), dbSNP rs2476502753, ClinGen allele CA357893672.
Genomic context (GRCh38, chr4:112,430,674, plus strand): 5'-AAGCTGCTTTCGGTCTCACCACAGTGCACAGAAGGCTCCATGGGGAGACAGGGACGGTCC[A>G]TGCAGCAAGTCAGCTCTGTAAGGAAGCAATGGGGAAGCTGTACAATTTCAGCACTTCCTC-3'
Protein context (NP_079420.3, residues 366-386): RRLHGETGTV[His376Arg]AASQLCKEAM